The following is an entry in ClinVar:

ClinVar aggregate classification (germline): Conflicting classifications of pathogenicity. Review status: criteria provided, conflicting classifications (1 of 4 stars). 4 submissions from 4 submitters: Uncertain significance (3); Likely benign (1). Last evaluated 2025-08-10.

Conditions:
Hereditary cancer-predisposing syndrome. Also called: Neoplastic Syndromes, Hereditary; Hereditary neoplastic syndrome; Tumor predisposition; Hereditary Cancer Syndrome. Identifiers: Orphanet 140162, MedGen C0027672, MeSH D009386, MONDO:0015356.
Tuberous sclerosis syndrome (TSC). Also called: Tuberous Sclerosis Complex; Tuberous sclerosis. Identifiers: Orphanet 805, MedGen C0041341, MONDO:0001734.
Isolated focal cortical dysplasia type II (FCORD2). Also called: CORTICAL DYSPLASIA OF TAYLOR; Focal cortical dysplasia type II. Identifiers: Orphanet 268994, MedGen C1846385, MONDO:0011818, OMIM 607341, HP:0032051.
Tuberous sclerosis 2 (TSC2). Identifiers: Orphanet 805, MedGen C1860707, MONDO:0013199, OMIM 613254.
Lymphangiomyomatosis (LAM). Also called: Lymphangioleiomyomatosis; Lymphangioleiomyomatosis, somatic. Identifiers: Orphanet 538, MedGen C0751674, MONDO:0011705, OMIM 606690.

Allele frequency attached by ClinVar (database versions not stated): gnomAD exomes below 0.00001.
gnomAD v4.1: 4 of 1,611,898 alleles (0.00025%); highest among the groups gnomAD compares: African/African-American, 0.0013%; no homozygotes.

Submissions (4):

Labcorp Genetics (formerly Invitae), Labcorp
Classification: Likely benign for Tuberous sclerosis 2. Last evaluated: 2025-08-10. Review status: criteria provided, single submitter. Criteria: Invitae Variant Classification Sherloc (09022015). Collection method: clinical testing. Allele origin: germline.

Ambry Genetics
Classification: Uncertain significance for Hereditary cancer-predisposing syndrome. Last evaluated: 2025-06-27. Review status: criteria provided, single submitter. Criteria: Ambry Variant Classification Scheme 2023. Collection method: clinical testing. Allele origin: germline.
Comment: The c.3814+5G>A intronic variant results from a G to A substitution 5 nucleotides after coding exon 30 in the TSC2 gene. This nucleotide position is highly conserved in available vertebrate species. In silico splice site analysis predicts that this alteration will not have any significant effect on splicing. Since supporting evidence is limited at this time, the clinical significance of this alteration remains unclear.

Fulgent Genetics
Classification: Uncertain significance for Lymphangiomyomatosis; Isolated focal cortical dysplasia type II; Tuberous sclerosis 2. Last evaluated: 2024-01-31. Review status: criteria provided, single submitter. Criteria: ACMG Guidelines, 2015. Collection method: clinical testing. Allele origin: germline.

All of Us Research Program, National Institutes of Health
Classification: Uncertain significance for Tuberous sclerosis syndrome. Last evaluated: 2023-12-18. Review status: criteria provided, single submitter. Criteria: ACMG Guidelines, 2015. Collection method: clinical testing. Allele origin: germline. Inheritance: Autosomal dominant inheritance. Observed: 2 variant alleles, 2 heterozygotes.
Comment: This variant causes a G to A nucleotide substitution at the +5 position of intron 31 of the TSC2 gene. Splice site prediction tools predict that this variant may have a significant impact on RNA splicing, although this prediction has not been confirmed in published RNA studies. This variant has not been reported in individuals affected with TSC2-related disorders in the literature. This variant has not been identified in the general population by the Genome Aggregation Database (gnomAD). The available evidence is insufficient to determine the role of this variant in disease conclusively. Therefore, this variant is classified as a Variant of Uncertain Significance.

This study involves interpretation of variants in research participants for the purpose of population health screening. Participant phenotype was not available at the time of variant classification. Additional details can be found in publication PMID: 35346344, PMCID: PMC8962531

NM_000548.5(TSC2):c.3814+5G>A

Gene: TSC2 (TSC complex subunit 2; plus strand). Cytogenetic location: 16p13.3.
Variant type: single nucleotide variant.
Coding change: c.3814+5G>A on transcript NM_000548.5 (MANE Select); 5 bases into the intron after coding-DNA position 3814, G replaced by A.
Molecular consequence: intron variant.
Genome position (GRCh38, 1-based): chr16:2,081,803, G>A. VCF-style: chr16-2081803-G-A. GRCh37 (hg19) VCF-style: chr16-2131804-G-A.
Other names: c.3814+5G>A (NM_001114382.3); c.3685+5G>A (NM_021055.3, NM_001370405.1, NM_001363528.2); c.3682+5G>A (NM_001370404.1, NM_001077183.3); c.3574+5G>A (NM_001318827.2); c.3082+5G>A (NM_001318831.2); c.3538+5G>A (NM_001318829.2); c.3715+5G>A (NM_001318832.2).
Identifiers: ClinVar variation 535869 (VCV000535869.10), dbSNP rs1555512582, ClinGen allele CA658798471.
Genomic context (GRCh38, chr16:2,081,803, plus strand): 5'-GTCGGTGCCGGCAGCCAGCACGGCCAAACCCCCTCCTCTGCCTCGCTCCAACACAGGTGA[G>A]TGGCATGGCGGGCCTTGGCACGGGCTCTGCTCCCACTGGCCTGGTGCTCCCGGTGACGGC-3'